The following is an entry in ClinVar:

NM_000525.4(KCNJ11):c.868_894del (p.Val290_Thr298del)

Gene: KCNJ11 (potassium inwardly rectifying channel subfamily J member 11; minus strand). Cytogenetic location: 11p15.1.
Variant type: Deletion.
Coding change: c.868_894del on transcript NM_000525.4 (MANE Select); coding-DNA positions 868 to 894, 27 bases deleted (GTGGTGGAAACCACGGGCATCACCACC).
Protein change: p.Val290_Thr298del.
Genome position (GRCh38, 1-based): chr11:17,387,198-17,387,224, GGTGGTGATGCCCGTGGTTTCCACCAC deleted on the plus strand (GTGGTGGAAACCACGGGCATCACCACC on the coding strand, the reverse complement: KCNJ11 is on the minus strand); deleting any 27 consecutive bases within chr11:17,387,198-17,387,225 gives the same sequence; the c. name uses the placement nearest the transcript's 3' end. VCF-style (leftmost placement, unchanged base first): chr11-17387197-GGGTGGTGATGCCCGTGGTTTCCACCAC-G. GRCh37 (hg19) VCF-style: chr11-17408744-GGGTGGTGATGCCCGTGGTTTCCACCAC-G.
Other names: c.607_633del, p.Val203_Thr211del (NM_001166290.2, NM_001377296.1, NM_001377297.1).
Identifiers: ClinVar variation 3771909 (VCV003771909.13).

ClinVar aggregate classification (germline): Likely pathogenic (1 of 4 stars; one submission).

Submission:

CeGaT Center for Human Genetics Tuebingen
Classification: Likely pathogenic. Last evaluated: 2024-02-01. Review status: criteria provided, single submitter. Criteria: CeGaT Center For Human Genetics Tuebingen Variant Classification Criteria Version 2. Collection method: clinical testing. Allele origin: germline. Affected: yes. Observed: 1 variant allele.
Comment: KCNJ11: PM1, PM2, PM4